The following is an entry in ClinVar:

NM_001353921.2(ARHGEF9):c.1492G>A (p.Val498Ile)

Gene: ARHGEF9 (Cdc42 guanine nucleotide exchange factor 9; minus strand). Cytogenetic location: Xq11.1.
Variant type: single nucleotide variant.
Coding change: c.1492G>A on transcript NM_001353921.2 (MANE Select); coding-DNA position 1492, G replaced by A.
Protein change: p.Val498Ile; replaces valine 498 with isoleucine.
Molecular consequence: missense variant. On other transcripts: 3 prime UTR variant (2).
Genome position (GRCh38, 1-based): chrX:63,638,108, C>T on the plus strand (G>A on the coding strand, the complement: ARHGEF9 is on the minus strand). VCF-style: chrX-63638108-C-T. GRCh37 (hg19) VCF-style: chrX-62857988-C-T.
Other names: c.1312G>A, p.Val438Ile (NM_001173479.2); c.1165G>A, p.Val389Ile (NM_001173480.2, NM_001369042.1); c.1408G>A, p.Val470Ile (NM_001330495.2, NM_001369033.1, NM_001369034.1 and 4 more transcripts); c.1360G>A, p.Val454Ile (NM_001353922.2); c.1510G>A, p.Val504Ile (NM_001353923.1); c.1291G>A, p.Val431Ile (NM_001353924.2, NM_001353926.2, NM_001369039.1 and 1 more transcripts); c.1276G>A, p.Val426Ile (NM_001353927.2, NM_001369041.1); c.1339G>A, p.Val447Ile (NM_001353928.2); and 3 more; short protein forms V309I, V389I, V426I, V431I, V438I, V447I, V454I, V470I.
Identifiers: ClinVar variation 1218587 (VCV001218587.8), dbSNP rs2147114206, ClinGen allele CA413401118.

ClinVar aggregate classification (germline): Conflicting classifications of pathogenicity. Review status: criteria provided, conflicting classifications (1 of 4 stars). 2 submissions from 2 submitters: Uncertain significance (1); Likely benign (1). Last evaluated 2022-08-10.

Conditions:
Developmental and epileptic encephalopathy, 8 (DEE8). Also called: HYPEREKPLEXIA AND EPILEPSY. Identifiers: Orphanet 163985, Orphanet 2076, MedGen C1845102, MONDO:0010375, OMIM 300607.

Allele frequency attached by ClinVar (database versions not stated): gnomAD exomes below 0.00001.
gnomAD v4.1: 1 of 1,209,428 alleles (0.000083%); highest among the groups gnomAD compares: Non-Finnish European, 0.00011%; no homozygotes.

Submissions (2):

Labcorp Genetics (formerly Invitae), Labcorp
Classification: Likely benign for Developmental and epileptic encephalopathy, 8. Last evaluated: 2022-08-10. Review status: criteria provided, single submitter. Criteria: Invitae Variant Classification Sherloc (09022015). Collection method: clinical testing. Allele origin: germline.

GeneDx
Classification: Uncertain significance. Last evaluated: 2019-12-10. Review status: criteria provided, single submitter. Criteria: GeneDx Variant Classification Process June 2021. Collection method: clinical testing. Allele origin: germline. Affected: yes.
Comment: Not observed in large population cohorts (Lek et al., 2016); In silico analysis, which includes protein predictors and evolutionary conservation, supports that this variant does not alter protein structure/function; Has not been previously published as pathogenic or benign to our knowledge